The following is an entry in ClinVar:

ClinVar aggregate classification (germline): Uncertain significance (1 of 4 stars; one submission).

Conditions:
Ehlers-Danlos syndrome, type 4 (EDSVASC). Also called: Ehlers-Danlos syndrome vascular type; Ehlers Danlos syndrome, ecchymotic type; Ehlers Danlos syndrome, arterial type; Ehlers Danlos syndrome, Sack-Barabas type; Ehlers-Danlos Syndrome Type IV. Identifiers: Orphanet 286, MedGen C0268338, MONDO:0017314, OMIM 130050.

Submission:

Labcorp Genetics (formerly Invitae), Labcorp
Classification: Uncertain significance for Ehlers-Danlos syndrome, type 4. Last evaluated: 2025-08-29. Review status: criteria provided, single submitter. Criteria: Invitae Variant Classification Sherloc (09022015). Collection method: clinical testing. Allele origin: germline.
Comment: This sequence change replaces proline, which is neutral and non-polar, with arginine, which is basic and polar, at codon 649 of the COL3A1 protein (p.Pro649Arg). This variant is not present in population databases (gnomAD no frequency). This variant has not been reported in the literature in individuals affected with COL3A1-related conditions. Invitae Evidence Modeling of protein sequence and biophysical properties (such as structural, functional, and spatial information, amino acid conservation, physicochemical variation, residue mobility, and thermodynamic stability) indicates that this missense variant is not expected to disrupt COL3A1 protein function with a negative predictive value of 95%. In summary, the available evidence is currently insufficient to determine the role of this variant in disease. Therefore, it has been classified as a Variant of Uncertain Significance.

NM_000090.4(COL3A1):c.1946C>G (p.Pro649Arg)

Gene: COL3A1 (collagen type III alpha 1 chain; plus strand). Cytogenetic location: 2q32.2.
Variant type: single nucleotide variant.
Coding change: c.1946C>G on transcript NM_000090.4 (MANE Select); coding-DNA position 1946, C replaced by G.
Protein change: p.Pro649Arg; replaces proline 649 with arginine.
Molecular consequence: missense variant.
Genome position (GRCh38, 1-based): chr2:188,998,288, C>G. VCF-style: chr2-188998288-C-G. GRCh37 (hg19) VCF-style: chr2-189863014-C-G.
Other names: short protein forms P649R.
Identifiers: ClinVar variation 4800326 (VCV004800326.1).